The following is an entry in ClinVar:

ClinVar aggregate classification (germline): Uncertain significance (1 of 4 stars; one submission).

Submission:

Labcorp Genetics (formerly Invitae), Labcorp
Classification: Uncertain significance. Last evaluated: 2024-10-21. Review status: criteria provided, single submitter. Criteria: Invitae Variant Classification Sherloc (09022015). Collection method: clinical testing. Allele origin: germline.
Comment: This sequence change replaces serine, which is neutral and polar, with alanine, which is neutral and non-polar, at codon 263 of the C9 protein (p.Ser263Ala). This variant is not present in population databases (gnomAD no frequency). This variant has not been reported in the literature in individuals affected with C9-related conditions. ClinVar contains an entry for this variant (Variation ID: 2078783). An algorithm developed to predict the effect of missense changes on protein structure and function (PolyPhen-2) suggests that this variant is likely to be tolerated. In summary, the available evidence is currently insufficient to determine the role of this variant in disease. Therefore, it has been classified as a Variant of Uncertain Significance.

NM_001737.5(C9):c.787T>G (p.Ser263Ala)

Gene: C9 (complement C9; minus strand). Cytogenetic location: 5p13.1.
Variant type: single nucleotide variant.
Coding change: c.787T>G on transcript NM_001737.5 (MANE Select); coding-DNA position 787, T replaced by G.
Protein change: p.Ser263Ala; replaces serine 263 with alanine.
Molecular consequence: missense variant.
Genome position (GRCh38, 1-based): chr5:39,315,858, A>C on the plus strand (T>G on the coding strand, the complement: C9 is on the minus strand). VCF-style: chr5-39315858-A-C. GRCh37 (hg19) VCF-style: chr5-39315960-A-C.
Other names: short protein forms S263A.
Identifiers: ClinVar variation 2078783 (VCV002078783.4), dbSNP rs1161372271, ClinGen allele CA359558657.